The following is an entry in ClinVar:

ClinVar aggregate classification (germline): Likely benign (1 of 4 stars; one submission).

Allele frequency attached by ClinVar (database versions not stated): 1000 Genomes Project 30x 0.00016.

Submission:

CeGaT Center for Human Genetics Tuebingen
Classification: Likely benign. Last evaluated: 2024-02-01. Review status: criteria provided, single submitter. Criteria: CeGaT Center For Human Genetics Tuebingen Variant Classification Criteria Version 2. Collection method: clinical testing. Allele origin: germline. Affected: yes. Observed: 3 variant alleles.
Comment: NBEA: BP4, BP7

NM_001385012.1(NBEA):c.7113A>C (p.Pro2371=)

Gene: NBEA (neurobeachin; plus strand). Cytogenetic location: 13q13.3.
Variant type: single nucleotide variant.
Coding change: c.7113A>C on transcript NM_001385012.1 (MANE Select); coding-DNA position 7113, A replaced by C.
Protein change: p.Pro2371=; no amino-acid change (proline 2371 retained).
Molecular consequence: synonymous variant.
Genome position (GRCh38, 1-based): chr13:35,583,975, A>C. VCF-style: chr13-35583975-A-C. GRCh37 (hg19) VCF-style: chr13-36158112-A-C.
Other names: c.492A>C, p.Pro164= (NM_001204197.3); c.7104A>C, p.Pro2368= (NM_001379245.1); c.7113A>C, p.Pro2371= (NM_015678.5).
Identifiers: ClinVar variation 3025560 (VCV003025560.22), dbSNP rs1593289473, ClinGen allele CA483209435.
Genomic context (GRCh38, chr13:35,583,975, plus strand): 5'-CCCCAAGAGAGCTGTGTTTTATGCAGAGCGTTATGAGACATGGGAAGATGATCAAAGCCC[A>C]CCCTACCATTATAATACCCATTATTCAACAGCAACATCTACTTTATCCTGGCTTGTTCGA-3'
Protein context (NP_001371941.1, residues 2361-2381): RYETWEDDQS[Pro2371=]PYHYNTHYST